The following is an entry in ClinVar:

NM_001166412.2(SMOC2):c.60C>G (p.Pro20=)

Gene: SMOC2 (SPARC related modular calcium binding 2; plus strand). Cytogenetic location: 6q27.
Variant type: single nucleotide variant.
Coding change: c.60C>G on transcript NM_001166412.2 (MANE Select); coding-DNA position 60, C replaced by G.
Protein change: p.Pro20=; no amino-acid change (proline 20 retained).
Molecular consequence: synonymous variant.
Genome position (GRCh38, 1-based): chr6:168,441,430, C>G. VCF-style: chr6-168441430-C-G. GRCh37 (hg19) VCF-style: chr6-168842110-C-G.
Other names: c.60C>G, p.Pro20= (NM_022138.3); c.60C>G (NM_022138.2).
Identifiers: ClinVar variation 2075464 (VCV002075464.6), dbSNP rs553730194, ClinGen allele CA152399529.

ClinVar aggregate classification (germline): Likely benign. Review status: criteria provided, single submitter (1 of 4 stars). 2 submissions from 2 submitters: Likely benign (1). 1 of the submissions does not count toward it. Last evaluated 2022-07-29.

Conditions:
SMOC2-related disorder. Also called: SMOC2-related condition.

Allele frequency attached by ClinVar (database versions not stated): 1000 Genomes Project 30x 0.00016; 1000 Genomes Project 0.00020.
gnomAD v4.1: 244 of 1,510,432 alleles (0.016%); highest among the groups gnomAD compares: Middle Eastern, 0.34%; no homozygotes.

Submissions (2):

Labcorp Genetics (formerly Invitae), Labcorp
Classification: Likely benign. Last evaluated: 2022-07-29. Review status: criteria provided, single submitter. Criteria: Invitae Variant Classification Sherloc (09022015). Collection method: clinical testing. Allele origin: germline.

PreventionGenetics, part of Exact Sciences
Classification: Likely benign for SMOC2-related condition. Last evaluated: 2019-04-11. Review status: no assertion criteria provided. Collection method: clinical testing. Allele origin: germline. Not counted in ClinVar's aggregate classification.
Comment: This variant is classified as likely benign based on ACMG/AMP sequence variant interpretation guidelines (Richards et al. 2015 PMID: 25741868, with internal and published modifications).